The following is an entry in ClinVar:

NM_001385079.1(PDE10A):c.1676A>G (p.Asn559Ser)

Gene: PDE10A (phosphodiesterase 10A; minus strand). Cytogenetic location: 6q27.
Variant type: single nucleotide variant.
Coding change: c.1676A>G on transcript NM_001385079.1 (MANE Select); coding-DNA position 1676, A replaced by G.
Protein change: p.Asn559Ser; replaces asparagine 559 with serine.
Molecular consequence: missense variant.
Genome position (GRCh38, 1-based): chr6:165,418,755, T>C on the plus strand (A>G on the coding strand, the complement: PDE10A is on the minus strand). VCF-style: chr6-165418755-T-C. GRCh37 (hg19) VCF-style: chr6-165832243-T-C.
Other names: c.878A>G, p.Asn293Ser (NM_001130690.3); c.848A>G, p.Asn283Ser (NM_006661.4); c.878A>G (NM_001130690.1); short protein forms N283S, N559S, N293S.
Identifiers: ClinVar variation 1956716 (VCV001956716.6), dbSNP rs751722941, ClinGen allele CA4092310.

ClinVar aggregate classification (germline): Uncertain significance. Review status: criteria provided, multiple submitters, no conflicts (2 of 4 stars). 2 submissions from 2 submitters: Uncertain significance (2). Last evaluated 2025-10-07.

Conditions:
Inborn genetic diseases. Identifiers: MedGen C0950123, MeSH D030342.

Allele frequency attached by ClinVar (database versions not stated): gnomAD exomes below 0.00001; ExAC 0.00001; gnomAD 0.00001; TOPMed 0.00002.
gnomAD v4.1: 6 of 1,613,552 alleles (0.00037%); highest among the groups gnomAD compares: African/African-American, 0.0013%; no homozygotes.

Submissions (2):

Ambry Genetics
Classification: Uncertain significance for Inborn genetic diseases. Last evaluated: 2025-10-07. Review status: criteria provided, single submitter. Criteria: Ambry Variant Classification Scheme 2023. Collection method: clinical testing. Allele origin: germline.

Labcorp Genetics (formerly Invitae), Labcorp
Classification: Uncertain significance. Last evaluated: 2022-09-21. Review status: criteria provided, single submitter. Criteria: Invitae Variant Classification Sherloc (09022015). Collection method: clinical testing. Allele origin: germline.
Comment: This variant is present in population databases (rs751722941, gnomAD 0.002%). This variant has not been reported in the literature in individuals affected with PDE10A-related conditions. Advanced modeling of protein sequence and biophysical properties (such as structural, functional, and spatial information, amino acid conservation, physicochemical variation, residue mobility, and thermodynamic stability) performed at Invitae indicates that this missense variant is not expected to disrupt PDE10A protein function. In summary, the available evidence is currently insufficient to determine the role of this variant in disease. Therefore, it has been classified as a Variant of Uncertain Significance. This sequence change replaces asparagine, which is neutral and polar, with serine, which is neutral and polar, at codon 293 of the PDE10A protein (p.Asn293Ser).